The following is an entry in ClinVar:

ClinVar aggregate classification (germline): Uncertain significance (1 of 4 stars; one submission).

Conditions:
Glycogen storage disease, type II (IOPD). Also called: ACID ALPHA-GLUCOSIDASE DEFICIENCY, INFANTILE-ONSET; GAA DEFICIENCY, INFANTILE-ONSET; ACID MALTASE DEFICIENCY, INFANTILE-ONSET; POMPE DISEASE, INFANTILE-ONSET; GLYCOGEN STORAGE DISEASE II, INFANTILE-ONSET; CARDIOMEGALIA GLYCOGENICA DIFFUSA. Identifiers: Orphanet 365, MedGen C0017921, MONDO:0009290, OMIM 232300.

Submission:

Labcorp Genetics (formerly Invitae), Labcorp
Classification: Uncertain significance for Glycogen storage disease, type II. Last evaluated: 2022-08-21. Review status: criteria provided, single submitter. Criteria: Invitae Variant Classification Sherloc (09022015). Collection method: clinical testing. Allele origin: germline.
Comment: This sequence change falls in intron 2 of the GAA gene. It does not directly change the encoded amino acid sequence of the GAA protein. Information on the frequency of this variant in the gnomAD database is not available, as this variant may be reported differently in the database. This variant has not been reported in the literature in individuals affected with GAA-related conditions. Algorithms developed to predict the effect of sequence changes on RNA splicing suggest that this variant may disrupt the consensus splice site. In summary, the available evidence is currently insufficient to determine the role of this variant in disease. Therefore, it has been classified as a Variant of Uncertain Significance.

NM_000152.5(GAA):c.547-5_547-4delinsGG

Gene: GAA (alpha glucosidase; plus strand). Cytogenetic location: 17q25.3.
Variant type: Indel.
Coding change: c.547-5_547-4delinsGG on transcript NM_000152.5 (MANE Select); 5 bases into the intron before coding-DNA position 547 through 4 bases into the intron before coding-DNA position 547, TC replaced by GG.
Molecular consequence: intron variant.
Genome position (GRCh38, 1-based): chr17:80,105,744-80,105,745, TC replaced by GG. VCF-style: chr17-80105744-TC-GG. GRCh37 (hg19) VCF-style: chr17-78079543-TC-GG.
Other names: c.547-5_547-4delinsGG (NM_001079803.3, NM_001079804.3).
Identifiers: ClinVar variation 2171257 (VCV002171257.1), dbSNP rs2510350159, ClinGen allele CA2580095297.